The following is an entry in ClinVar:

NM_000235.4(LIPA):c.416T>G (p.Phe139Cys)

Gene: LIPA (lipase A, lysosomal acid type; minus strand). Cytogenetic location: 10q23.31.
Variant type: single nucleotide variant.
Coding change: c.416T>G on transcript NM_000235.4 (MANE Select); coding-DNA position 416, T replaced by G.
Protein change: p.Phe139Cys; replaces phenylalanine 139 with cysteine.
Molecular consequence: missense variant.
Genome position (GRCh38, 1-based): chr10:89,228,212, A>C on the plus strand (T>G on the coding strand, the complement: LIPA is on the minus strand). VCF-style: chr10-89228212-A-C. GRCh37 (hg19) VCF-style: chr10-90987969-A-C.
Other names: c.416T>G, p.Phe139Cys (NM_001127605.3); c.68T>G, p.Phe23Cys (NM_001288979.2); short protein forms F23C, F139C.
Identifiers: ClinVar variation 1366511 (VCV001366511.8), dbSNP rs2133436092, ClinGen allele CA377517749.

ClinVar aggregate classification (germline): Uncertain significance (1 of 4 stars; one submission).

Conditions:
Wolman disease (WOLD). Also called: Wolman disease with hypolipoproteinemia and acanthocytosis; Acid cholesteryl ester hydrolase deficiency, Wolman type; Acid lipase disease; LYSOSOMAL ACID LIPASE DEFICIENCY, ACUTE INFANTILE; LYSOSOMAL ACID LIPASE DEFICIENCY, COMPLETE; LIPA DEFICIENCY, COMPLETE. Identifiers: Orphanet 75233, MedGen C0043208, MONDO:0019148, OMIM 620151.

Submission:

Labcorp Genetics (formerly Invitae), Labcorp
Classification: Uncertain significance for Wolman disease. Last evaluated: 2021-12-02. Review status: criteria provided, single submitter. Criteria: Invitae Variant Classification Sherloc (09022015). Collection method: clinical testing. Allele origin: germline.
Comment: In summary, the available evidence is currently insufficient to determine the role of this variant in disease. Therefore, it has been classified as a Variant of Uncertain Significance. Algorithms developed to predict the effect of missense changes on protein structure and function (SIFT, PolyPhen-2, Align-GVGD) all suggest that this variant is likely to be disruptive. This missense change has been observed in individual(s) with clinical features of cholesteryl ester storage disease (Invitae). In at least one individual the data is consistent with being in trans (on the opposite chromosome) from a pathogenic variant. This variant is not present in population databases (gnomAD no frequency). This sequence change replaces phenylalanine, which is neutral and non-polar, with cysteine, which is neutral and slightly polar, at codon 139 of the LIPA protein (p.Phe139Cys).